The following is an entry in ClinVar:

ClinVar aggregate classification (germline): Likely pathogenic. Review status: reviewed by expert panel (3 of 4 stars). 5 submissions from 5 submitters: Likely pathogenic (1). 4 of the submissions do not count toward it. Last evaluated 2026-09-22.

Conditions:
RPE65-related recessive retinopathy. Also called: Recessive RPE65 retinopathy. Identifiers: MedGen CN305526, MONDO:0100368.
Leber congenital amaurosis 2 (LCA2). Also called: Autosomal Recessive RPE65-Related Retinal Degeneration; AMAUROSIS CONGENITA OF LEBER II. Identifiers: Orphanet 65, MedGen C1859844, MONDO:0008765, OMIM 204100. Disease mechanism: loss of function.
Retinitis pigmentosa 20 (RP20). Identifiers: Orphanet 791, MedGen C3151086, MONDO:0013425, OMIM 613794.
Leber congenital amaurosis (LCA). Also called: Leber's amaurosis. Identifiers: Orphanet 65, MedGen C0339527, MeSH D057130, MONDO:0018998.

Allele frequency attached by ClinVar (database versions not stated): gnomAD exomes below 0.00001.
gnomAD v4.1: 2 of 1,614,206 alleles (0.00012%); highest among the groups gnomAD compares: Non-Finnish European, 0.00017%; no homozygotes.

Submissions (5):

ClinGen Leber Congenital Amaurosis/early Onset Retinal Dystrophy Variant Curation Expert Panel, ClinGen
Classification: Likely pathogenic for RPE65-related recessive retinopathy. Last evaluated: 2026-09-22. Review status: reviewed by expert panel. Criteria: ClinGen LCAeoRD ACMG Specifications RPE65 V1.0.0. Collection method: curation. Allele origin: germline. Inheritance: Autosomal recessive inheritance.
Comment: NM_000329.3(RPE65):c.430T>G is a missense variant predicted to replace tyrosine with aspartic acid at position 144. This variant is present in gnomAD v.4.1.1 at a GrpMax allele frequency of 2.800e-7, with 2 alleles / 1180024 total alleles in the European (non-Finnish) population, which is lower than the ClinGen LCA / eoRD VCEP PM2_Supporting threshold of <0.0002 (PM2_Supporting). This variant has been reported in at least 2 apparently unrelated probands with early-onset severe retinal dystrophy who were homozygous for the variant (1 pt, PMID: 19117922, PMID: 11462243, PMID: 28127548, PM3). At least one proband harboring this variant exhibits a phenotype including diagnosis of Leber congenital amaurosis (0.5 pts), reduced visual acuity (1 pt), macular atrophic changes (0.5 pts), abnormal electroretinogram responses, visual field constriction (1 pt), retinal vessel attenuation (0.5 pts), and retinal pigment epithelium depigmentation and granularity in the fundus (0.5 pts), which together are specific for RPE65-related recessive retinopathy (total 4 pts, PMID: 19117922, PP4). The computational predictor REVEL gives a score of 0.977, which is above the ClinGen LCA / eoRD VCEP threshold of ≥0.773 and predicts a damaging effect on RPE65 function (PP3_Moderate). The variant exhibited no detectable enzymatic activity in a retinoid isomerase assay relative to the wild-type control, which is lower than the ClinGen LCA / eoRD VCEP PS3_Supporting threshold of <10% activity, indicating that it triggers a severe defect in protein function (PMID: 16828753, PS3_Supporting). In summary, this variant meets the criteria to be classified as likely pathogenic for RPE65-related recessive retinopathy based on the ACMG/AMP criteria applied, as specified by the ClinGen LCA / eoRD VCEP: PS3_Supporting, PM2_Supporting, PM3, PP3_Moderate, and PP4. (VCEP specifications version 1.0.0).

Natera, Inc.
Classification: Likely pathogenic for Leber congenital amaurosis. Last evaluated: 2024-11-07. Review status: criteria provided, single submitter. Criteria: Natera Variant Classification Schema (03/2026). Collection method: clinical testing. Allele origin: germline. Not counted in ClinVar's aggregate classification.
Comment: The c.430T>G variant in RPE65 is a missense variant predicted to cause substitution of tyrosine to aspartic acid at amino acid 144. This variant is rare in the general population with a frequency below the threshold expected for the associated phenotype(s). This variant has been observed in one or more individuals affected with the associated recessive disease, as either homozygous or compound heterozygous with a second variant (PMID: 35129589, 28127548, 20079931, 19117922, 11462243). Functional studies show that this variant may disrupt protein function (PMID: 16828753). Computational prediction algorithms indicate this variant is likely to affect gene or protein function. Given the available evidence, this variant is classified as Likely Pathogenic.

Labcorp Genetics (formerly Invitae), Labcorp
Classification: Pathogenic for Leber congenital amaurosis 2; Retinitis pigmentosa 20. Last evaluated: 2024-03-11. Review status: criteria provided, single submitter. Criteria: Invitae Variant Classification Sherloc (09022015). Collection method: clinical testing. Allele origin: germline. Not counted in ClinVar's aggregate classification.
Comment: This sequence change replaces tyrosine, which is neutral and polar, with aspartic acid, which is acidic and polar, at codon 144 of the RPE65 protein (p.Tyr144Asp). This variant is not present in population databases (gnomAD no frequency). This missense change has been observed in individuals with autosomal recessive Leber congenital amaurosis and/or retinitis pigmentosa (PMID: 11462243, 17724218, 19117922; Invitae). ClinVar contains an entry for this variant (Variation ID: 98868). Advanced modeling of protein sequence and biophysical properties (such as structural, functional, and spatial information, amino acid conservation, physicochemical variation, residue mobility, and thermodynamic stability) performed at Invitae indicates that this missense variant is expected to disrupt RPE65 protein function with a positive predictive value of 80%. Experimental studies have shown that this missense change affects RPE65 function (PMID: 16828753). For these reasons, this variant has been classified as Pathogenic.

Baylor Genetics
Classification: Pathogenic for Leber congenital amaurosis 2. Last evaluated: 2023-12-17. Review status: criteria provided, single submitter. Criteria: ACMG Guidelines, 2015. Collection method: clinical testing. Allele origin: unknown. Not counted in ClinVar's aggregate classification.

Retina International
No classification provided. Review status: no classification provided. Collection method: not provided. Allele origin: not provided. Not counted in ClinVar's aggregate classification.

Literature cited by the submitters: PubMed 35129589 (cited by Natera, Inc.); PubMed 28127548 (cited by Natera, Inc.); PubMed 20079931 (cited by Natera, Inc.); PubMed 19117922 (cited by Natera, Inc. and Labcorp Genetics (formerly Invitae), Labcorp); PubMed 11462243 (cited by Natera, Inc. and Labcorp Genetics (formerly Invitae), Labcorp); PubMed 16828753 (cited by Natera, Inc. and Labcorp Genetics (formerly Invitae), Labcorp); PubMed 17724218 (cited by Labcorp Genetics (formerly Invitae), Labcorp).

NM_000329.3(RPE65):c.430T>G (p.Tyr144Asp)

Gene: RPE65 (retinoid isomerohydrolase RPE65; minus strand). Cytogenetic location: 1p31.3.
Variant type: single nucleotide variant.
Coding change: c.430T>G on transcript NM_000329.3 (MANE Select); coding-DNA position 430, T replaced by G.
Protein change: p.Tyr144Asp; replaces tyrosine 144 with aspartic acid.
Molecular consequence: missense variant.
Genome position (GRCh38, 1-based): chr1:68,444,596, A>C on the plus strand (T>G on the coding strand, the complement: RPE65 is on the minus strand). VCF-style: chr1-68444596-A-C. GRCh37 (hg19) VCF-style: chr1-68910279-A-C.
Other names: NM_000329.3(RPE65):c.430T>G; short protein forms Y144D.
Identifiers: ClinVar variation 98868 (VCV000098868.10), dbSNP rs61752880, ClinGen allele CA226550.